The following is an entry in ClinVar:

NM_005515.4(MNX1):c.27C>G (p.Ile9Met)

Gene: MNX1 (motor neuron and pancreas homeobox 1; minus strand). Cytogenetic location: 7q36.3.
Variant type: single nucleotide variant.
Coding change: c.27C>G on transcript NM_005515.4 (MANE Select); coding-DNA position 27, C replaced by G.
Protein change: p.Ile9Met; replaces isoleucine 9 with methionine.
Molecular consequence: missense variant.
Genome position (GRCh38, 1-based): chr7:157,010,324, G>C on the plus strand (C>G on the coding strand, the complement: MNX1 is on the minus strand). VCF-style: chr7-157010324-G-C. GRCh37 (hg19) VCF-style: chr7-156803018-G-C.
Other names: short protein forms I9M.
Identifiers: ClinVar variation 1443276 (VCV001443276.6), dbSNP rs368106747, ClinGen allele CA370165390.

ClinVar aggregate classification (germline): Uncertain significance (1 of 4 stars; one submission).

Submission:

Labcorp Genetics (formerly Invitae), Labcorp
Classification: Uncertain significance. Last evaluated: 2025-12-08. Review status: criteria provided, single submitter. Criteria: Invitae Variant Classification Sherloc (09022015). Collection method: clinical testing. Allele origin: germline.
Comment: This sequence change replaces isoleucine, which is neutral and non-polar, with methionine, which is neutral and non-polar, at codon 9 of the MNX1 protein (p.Ile9Met). This variant is not present in population databases (gnomAD no frequency). This variant has not been reported in the literature in individuals affected with MNX1-related conditions. ClinVar contains an entry for this variant (Variation ID: 1443276). Invitae Evidence Modeling of protein sequence and biophysical properties (such as structural, functional, and spatial information, amino acid conservation, physicochemical variation, residue mobility, and thermodynamic stability) indicates that this missense variant is expected to disrupt MNX1 protein function with a positive predictive value of 80%. In summary, the available evidence is currently insufficient to determine the role of this variant in disease. Therefore, it has been classified as a Variant of Uncertain Significance.